The following is an entry in ClinVar:

NM_005245.4(FAT1):c.1750G>A (p.Val584Met)

Gene: FAT1 (FAT atypical cadherin 1; minus strand). Cytogenetic location: 4q35.2.
Variant type: single nucleotide variant.
Coding change: c.1750G>A on transcript NM_005245.4 (MANE Select); coding-DNA position 1750, G replaced by A.
Protein change: p.Val584Met; replaces valine 584 with methionine.
Molecular consequence: missense variant.
Genome position (GRCh38, 1-based): chr4:186,708,078, C>T on the plus strand (G>A on the coding strand, the complement: FAT1 is on the minus strand). VCF-style: chr4-186708078-C-T. GRCh37 (hg19) VCF-style: chr4-187629232-C-T.
Other names: short protein forms V584M.
Identifiers: ClinVar variation 1303523 (VCV001303523.6), dbSNP rs182393996, ClinGen allele CA3167396.
Genomic context (GRCh38, chr4:186,708,078, plus strand): 5'-ACTGTACCAACTGAAGTTCATCTGCATCAATAGCAGAAACAGTGGTTATTTGCTCTCCCA[C>T]GCCTAGATCTCTGGGAATTGTCCCTTCACAATTTATTTTCTCAAACAAAGGTGTGTTGTC-3'
Protein context (NP_005236.2, residues 574-594): CEGTIPRDLG[Val584Met]GEQITTVSAI

ClinVar aggregate classification (germline): Uncertain significance. Review status: criteria provided, multiple submitters, no conflicts (2 of 4 stars). 3 submissions from 3 submitters: Uncertain significance (3). Last evaluated 2026-08-06.

Conditions:
FAT1-related disorder. Also called: FAT1-related condition.

Allele frequency attached by ClinVar (database versions not stated): ExAC 0.00014; gnomAD exomes 0.00017; 1000 Genomes Project 30x 0.00031; 1000 Genomes Project 0.00040; gnomAD 0.00058 and 0.00065; TOPMed 0.00070; ESP Exome Variant Server 0.00083.
gnomAD v4.1: 403 of 1,613,954 alleles (0.025%); highest among the groups gnomAD compares: African/African-American, 0.17%; no homozygotes.

Submissions (3):

PreventionGenetics, part of Exact Sciences
Classification: Uncertain significance for FAT1-related condition. Last evaluated: 2026-08-06. Review status: criteria provided, single submitter. Criteria: ACMG Guidelines, 2015. Collection method: clinical testing. Allele origin: germline.
Comment: The FAT1 c.1750G>A variant is predicted to result in the amino acid substitution p.Val584Met. To our knowledge, this variant has not been reported in the literature. This variant is reported in 0.14% of alleles in individuals of African descent in gnomAD. Although we suspect that this variant may be benign, at this time, the clinical significance of this variant is uncertain due to the absence of conclusive functional and genetic evidence.

GeneDx
Classification: Uncertain significance. Last evaluated: 2025-01-16. Review status: criteria provided, single submitter. Criteria: GeneDx Variant Classification Process June 2021. Collection method: clinical testing. Allele origin: germline. Affected: yes.
Comment: In silico analysis indicates that this missense variant does not alter protein structure/function; Has not been previously published as pathogenic or benign to our knowledge

Labcorp Genetics (formerly Invitae), Labcorp
Classification: Uncertain significance. Last evaluated: 2022-08-21. Review status: criteria provided, single submitter. Criteria: Invitae Variant Classification Sherloc (09022015). Collection method: clinical testing. Allele origin: germline.
Comment: This sequence change replaces valine, which is neutral and non-polar, with methionine, which is neutral and non-polar, at codon 584 of the FAT1 protein (p.Val584Met). This variant is present in population databases (rs182393996, gnomAD 0.2%). This variant has not been reported in the literature in individuals affected with FAT1-related conditions. ClinVar contains an entry for this variant (Variation ID: 1303523). Algorithms developed to predict the effect of missense changes on protein structure and function are either unavailable or do not agree on the potential impact of this missense change (SIFT: "Tolerated"; PolyPhen-2: "Possibly Damaging"; Align-GVGD: "Class C0"). In summary, the available evidence is currently insufficient to determine the role of this variant in disease. Therefore, it has been classified as a Variant of Uncertain Significance.